The following is an entry in ClinVar:

NM_138295.5(PKD1L1):c.7876T>C (p.Cys2626Arg)

Genes: PKD1L1 (polycystin 1 like 1, transient receptor potential channel interacting; minus strand), PKD1L1-AS1 (PKD1L1 antisense RNA 1; plus strand). Cytogenetic location: 7p12.3.
Variant type: single nucleotide variant.
Coding change: c.7876T>C on transcript NM_138295.5 (MANE Select); coding-DNA position 7876, T replaced by C.
Protein change: p.Cys2626Arg; replaces cysteine 2626 with arginine.
Molecular consequence: missense variant.
Genome position (GRCh38, 1-based): chr7:47,803,296, A>G on the plus strand (T>C on the coding strand, the complement: PKD1L1 is on the minus strand). VCF-style: chr7-47803296-A-G. GRCh37 (hg19) VCF-style: chr7-47842894-A-G.
Other names: short protein forms C2626R.
Identifiers: ClinVar variation 2043891 (VCV002043891.9), dbSNP rs141685583, ClinGen allele CA4251884.

ClinVar aggregate classification (germline): Conflicting classifications of pathogenicity. Review status: criteria provided, conflicting classifications (1 of 4 stars). 4 submissions from 4 submitters: Uncertain significance (1); Likely benign (2). 1 of the submissions does not count toward it. Last evaluated 2026-09-01.

Conditions:
PKD1L1-related disorder. Also called: PKD1L1-related condition.
Inborn genetic diseases. Identifiers: MedGen C0950123, MeSH D030342.

Allele frequency attached by ClinVar (database versions not stated): gnomAD exomes 0.00008; 1000 Genomes Project 30x 0.00031; ExAC 0.00031; 1000 Genomes Project 0.00040; gnomAD 0.00095; TOPMed 0.00102; ESP Exome Variant Server 0.00123.
gnomAD v4.1: 271 of 1,614,176 alleles (0.017%); highest among the groups gnomAD compares: African/African-American, 0.31%; 1 homozygote.

Submissions (4):

CeGaT Center for Human Genetics Tuebingen
Classification: Likely benign. Last evaluated: 2026-09-01. Review status: criteria provided, single submitter. Criteria: CeGaT Center For Human Genetics Tuebingen Variant Classification Criteria Version 2. Collection method: clinical testing. Allele origin: germline. Affected: yes. Observed: 1 variant allele.
Comment: PKD1L1: BP4

Labcorp Genetics (formerly Invitae), Labcorp
Classification: Likely benign. Last evaluated: 2025-10-12. Review status: criteria provided, single submitter. Criteria: Invitae Variant Classification Sherloc (09022015). Collection method: clinical testing. Allele origin: germline.

Ambry Genetics
Classification: Uncertain significance for Inborn genetic diseases. Last evaluated: 2024-08-12. Review status: criteria provided, single submitter. Criteria: Ambry Variant Classification Scheme 2023. Collection method: clinical testing. Allele origin: germline.

PreventionGenetics, part of Exact Sciences
Classification: Likely benign for PKD1L1-related condition. Last evaluated: 2021-05-26. Review status: no assertion criteria provided. Collection method: clinical testing. Allele origin: germline. Not counted in ClinVar's aggregate classification.
Comment: This variant is classified as likely benign based on ACMG/AMP sequence variant interpretation guidelines (Richards et al. 2015 PMID: 25741868, with internal and published modifications).